The following is an entry in ClinVar:

Conditions:
Breast-ovarian cancer, familial, susceptibility to, 1 (BROVCA1). Also called: BRCA1 Hereditary Breast and Ovarian Cancer; OVARIAN CANCER, SUSCEPTIBILITY TO. Identifiers: Orphanet 145, MedGen C2676676, MONDO:0011450, OMIM 604370. Disease mechanism: loss of function.

Submission:

Brotman Baty Institute, University of Washington
No classification provided (evidence only). Condition: Breast-ovarian cancer, familial 1. Review status: no classification provided. Collection method: in vitro. Allele origin: not applicable. Functional consequence: functionally_abnormal.
ClinVar note: "not provided" was previously submitted as the classification for the variant. However, the classification appeared to be based only on an observation of functional data so it was converted to no classification on 2025-07-30.

NM_007294.4(BRCA1):c.116G>C (p.Cys39Ser)

Gene: BRCA1 (BRCA1 DNA repair associated; minus strand). Cytogenetic location: 17q21.31.
Variant type: single nucleotide variant.
Coding change: c.116G>C on transcript NM_007294.4 (MANE Select); coding-DNA position 116, G replaced by C.
Protein change: p.Cys39Ser; replaces cysteine 39 with serine.
Molecular consequence: missense variant. On other transcripts: non-coding transcript variant (1), intron variant (1).
Genome position (GRCh38, 1-based): chr17:43,115,744, C>G on the plus strand (G>C on the coding strand, the complement: BRCA1 is on the minus strand). VCF-style: chr17-43115744-C-G. GRCh37 (hg19) VCF-style: chr17-41267761-C-G.
Other names: c.-73G>C (NM_001407571.1, NM_001407853.1, NM_001407879.1 and 52 more transcripts); c.116G>C, p.Cys39Ser (NM_001407581.1, NM_001407582.1, NM_001407583.1 and 192 more transcripts); c.-142G>C (NM_001407694.1, NM_001407696.1, NM_001407724.1 and 13 more transcripts); c.-146G>C (NM_001407695.1, NM_001408465.1); c.-26G>C (NM_001407697.1, NM_001407725.1, NM_001407728.1 and 47 more transcripts); c.-22G>C (NM_001407841.1); c.-189G>C (NM_001407889.1, NM_001407900.1, NM_001408492.1); c.-188G>C (NM_001407960.1, NM_001407962.1, NM_001408510.1 and 1 more transcripts); and 2 more; short protein forms C39S.
Identifiers: ClinVar variation 867499 (VCV000867499.3), dbSNP rs80357498, ClinGen allele CA10601927.